The following is an entry in ClinVar:

ClinVar aggregate classification (germline): Conflicting classifications of pathogenicity. Review status: criteria provided, conflicting classifications (1 of 4 stars). 2 submissions from 2 submitters: Uncertain significance (1); Likely benign (1). Last evaluated 2024-09-20.

Conditions:
X-linked agammaglobulinemia with growth hormone deficiency (IGHD3). Also called: FLEISHER SYNDROME; HYPOGAMMAGLOBULINEMIA AND ISOLATED GROWTH HORMONE DEFICIENCY, X-LINKED; IGHD III; AGAMMAGLOBULINEMIA AND ISOLATED GROWTH HORMONE DEFICIENCY, X-LINKED; Isolated growth hormone deficiency type 3; Growth hormone deficiency with hypogammaglobulinemia. Identifiers: Orphanet 231692, Orphanet 631, MedGen C0472813, MONDO:0010615, OMIM 307200.
X-linked agammaglobulinemia (XLA). Also called: Agammaglobulinemia, Bruton tyrosine kinase; Agammaglobulinemia, BTK; BTK-deficiency; IMMUNODEFICIENCY 1; Bruton's agammaglobulinemia; AGAMMAGLOBULINEMIA, X-LINKED, TYPE 1. Identifiers: Orphanet 229717, Orphanet 47, MedGen C0221026, MONDO:0010421, OMIM 300755.

Submissions (2):

3billion
Classification: Likely benign for X-linked agammaglobulinemia with growth hormone deficiency; X-linked agammaglobulinemia. Last evaluated: 2024-09-20. Review status: criteria provided, single submitter. Criteria: ACMG Guidelines, 2015. Collection method: clinical testing. Allele origin: germline. Affected: no.
Comment: The hemizygous variant was found in patients with no symptoms related to the gene containing the hemizygous variant.

Labcorp Genetics (formerly Invitae), Labcorp
Classification: Uncertain significance for X-linked agammaglobulinemia with growth hormone deficiency. Last evaluated: 2019-07-12. Review status: criteria provided, single submitter. Criteria: Invitae Variant Classification Sherloc (09022015). Collection method: clinical testing. Allele origin: germline.
Comment: This sequence change replaces serine with arginine at codon 289 of the BTK protein (p.Ser289Arg). The serine residue is highly conserved and there is a moderate physicochemical difference between serine and arginine. This variant is not present in population databases (ExAC no frequency). This variant has not been reported in the literature in individuals with BTK-related conditions. Algorithms developed to predict the effect of missense changes on protein structure and function are either unavailable or do not agree on the potential impact of this missense change (SIFT: "Deleterious"; PolyPhen-2: "Benign"; Align-GVGD: "Class C0"). In summary, the available evidence is currently insufficient to determine the role of this variant in disease. Therefore, it has been classified as a Variant of Uncertain Significance.

NM_000061.3(BTK):c.867T>A (p.Ser289Arg)

Gene: BTK (Bruton tyrosine kinase; minus strand). Cytogenetic location: Xq22.1.
Variant type: single nucleotide variant.
Coding change: c.867T>A on transcript NM_000061.3 (MANE Select); coding-DNA position 867, T replaced by A.
Protein change: p.Ser289Arg; replaces serine 289 with arginine.
Molecular consequence: missense variant.
Genome position (GRCh38, 1-based): chrX:101,359,320, A>T on the plus strand (T>A on the coding strand, the complement: BTK is on the minus strand). VCF-style: chrX-101359320-A-T. GRCh37 (hg19) VCF-style: chrX-100614308-A-T.
Other names: c.969T>A, p.Ser323Arg (NM_001287344.2); c.867T>A, p.Ser289Arg (NM_001287345.2); short protein forms S289R, S323R.
Identifiers: ClinVar variation 944765 (VCV000944765.2), dbSNP rs1926588297, ClinGen allele CA413930025.
Genomic context (GRCh38, chrX:101,359,320, plus strand): 5'-GAGAATGCTGTGTGCTAGTGGTTCCACACTTACCTCTTGCTTTAGCAGTTGCTCAGCCTG[A>T]CTCCGAGTCATGTGTTTGGAATACCACCTGTGAAGGGAGAGTGCTGCTTGAGTGGCTCCT-3'
Protein context (NP_000052.1, residues 279-299): YEWYSKHMTR[Ser289Arg]QAEQLLKQEG